The following is an entry in ClinVar:

NM_007118.4(TRIO):c.5609C>T (p.Pro1870Leu)

Gene: TRIO (trio Rho guanine nucleotide exchange factor; plus strand). Cytogenetic location: 5p15.2.
Variant type: single nucleotide variant.
Coding change: c.5609C>T on transcript NM_007118.4 (MANE Select); coding-DNA position 5609, C replaced by T.
Protein change: p.Pro1870Leu; replaces proline 1870 with leucine.
Molecular consequence: missense variant. On other transcripts: non-coding transcript variant (1).
Genome position (GRCh38, 1-based): chr5:14,462,867, C>T. VCF-style: chr5-14462867-C-T. GRCh37 (hg19) VCF-style: chr5-14462976-C-T.
Other names: short protein forms P1870L.
Identifiers: ClinVar variation 1706875 (VCV001706875.8), dbSNP rs1454798337, ClinGen allele CA359231097.

ClinVar aggregate classification (germline): Uncertain significance. Review status: criteria provided, multiple submitters, no conflicts (2 of 4 stars). 2 submissions from 2 submitters: Uncertain significance (2). Last evaluated 2026-08-11.

Conditions:
Inborn genetic diseases. Identifiers: MedGen C0950123, MeSH D030342.

Allele frequency attached by ClinVar (database versions not stated): gnomAD exomes below 0.00001.
gnomAD v4.1: 1 of 1,612,424 alleles (0.000062%); highest among the groups gnomAD compares: Admixed American, 0.0017%; no homozygotes.

Submissions (2):

GeneDx
Classification: Uncertain significance. Last evaluated: 2026-08-11. Review status: criteria provided, single submitter. Criteria: GeneDx Variant Classification Process June 2021. Collection method: clinical testing. Allele origin: germline.
Comment: In silico analysis supports that this missense variant has a deleterious effect on protein structure/function; Has not been previously published as pathogenic or benign to our knowledge

Ambry Genetics
Classification: Uncertain significance for Inborn genetic diseases. Last evaluated: 2022-09-27. Review status: criteria provided, single submitter. Criteria: Ambry Variant Classification Scheme 2023. Collection method: clinical testing. Allele origin: germline.